The following is an entry in ClinVar:

ClinVar aggregate classification (germline): Uncertain significance (1 of 4 stars; one submission).

Submission:

Labcorp Genetics (formerly Invitae), Labcorp
Classification: Uncertain significance. Last evaluated: 2022-06-26. Review status: criteria provided, single submitter. Criteria: Invitae Variant Classification Sherloc (09022015). Collection method: clinical testing. Allele origin: germline.
Comment: Experimental studies and prediction algorithms are not available or were not evaluated, and the functional significance of this variant is currently unknown. In summary, the available evidence is currently insufficient to determine the role of this variant in disease. Therefore, it has been classified as a Variant of Uncertain Significance. This variant has not been reported in the literature in individuals affected with MYLK3-related conditions. This variant results in a copy number gain of the genomic region encompassing exon(s) 1-12 of the MYLK3 gene. This region includes the initiator codon of the gene. This copy number gain extends beyond the assayed region for this gene and therefore may encompass additional genes. As the precise location of this event is unknown, it may be in tandem or it may be located elsewhere in the genome.

NC_000016.9:g.(?_46743431)_(46782105_?)dup

Gene: MYLK3 (myosin light chain kinase 3; minus strand). Cytogenetic location: 16q11.2.
Variant type: Duplication.
Identifiers: ClinVar variation 2427586 (VCV002427586.4).